The following is an entry in ClinVar:

ClinVar aggregate classification (germline): Uncertain significance. Review status: reviewed by expert panel (3 of 4 stars). 8 submissions from 7 submitters: Uncertain significance (1). 7 of the submissions do not count toward it. Last evaluated 2025-11-19.

Conditions:
CYP1B1-related glaucoma with or without anterior segment dysgenesis. Identifiers: MedGen CN375931, MONDO:0800472.
Irido-corneo-trabecular dysgenesis (ASGD5). Also called: ANTERIOR SEGMENT DYSGENESIS 5. Identifiers: Orphanet 708, MedGen C0344559, MONDO:0011414, OMIM 604229, HP:0000659.
Glaucoma 3A. Also called: Glaucoma 3, primary congenital, A. Identifiers: Orphanet 98976, Orphanet 98977, MedGen C1856439, MONDO:0009277, OMIM 231300.
Glaucoma, primary open angle, juvenile-onset. Identifiers: MedGen C3278153.

Allele frequency attached by ClinVar (database versions not stated): gnomAD 0.00027 and 0.00030; gnomAD exomes 0.00032; ExAC 0.00047; ESP Exome Variant Server 0.00016; TOPMed 0.00024.
gnomAD v4.1: 454 of 1,589,128 alleles (0.029%); highest among the groups gnomAD compares: Non-Finnish European, 0.03%; 1 homozygote.

Submissions (8):

ClinGen Glaucoma Variant Curation Expert Panel
Classification: Uncertain significance for CYP1B1-related glaucoma with or without anterior segment dysgenesis. Last evaluated: 2025-11-19. Review status: reviewed by expert panel. Criteria: ClinGen CYP1B1 ACMG Specifications V1 Approved. Collection method: curation. Allele origin: germline. Inheritance: Autosomal recessive inheritance.
Comment: The c.155C>T variant in CYP1B1 is a missense variant predicted to cause substitution of Proline by Leucine at amino acid 52 (p.Pro52Leu). This missense variant is located in the hinge region, meeting PM1. The highest minor allele frequency of this variant, in a genetic ancestry group of at least 2,000 alleles, was in the Ashkenazi Jewish population of gnomAD (v4.1.0) = 0.0008228 (24 alleles out of 29,168), which did not meet the PM2_Supporting allele frequency threshold (≤ 0.0005) or the BS1 allele frequency threshold (≥ 0.01). The REVEL score = 0.91, which was within the 0.773-0.931 range for PP3_Moderate, predicting a damaging effect on CYP1B1 function. A previous study (PMID: 19643970) demonstrated that the Pro52Leu protein had reduced 17B Estradiol Activity levels compared to wild type CYP1B1 protein and met the OddsPath threshold for PS3_Supporting (> 2.1), indicating that this variant did impact protein function. This variant was also assessed in PMIDs: 27243976,19234632, 19793111 &17363580, however, the assays reported did not meet the OddsPath threshold (> 2.1) or the threshold for abnormal impact on protein function in the assay could not be determined. 2 affected individuals carry the Pro52Leu variant (PMID: 21815720) but they also carry two other CYP1B1 variants, so these people are excluded from assessing PM3, as the causative variant cannot be determined. In summary, this variant met the criteria to receive a score of 5 and to be classified as a variant of uncertain significance (uncertain significance classification range -1 to 5, adapted from PMID: 32720330) for CYP1B1-related glaucoma with or without anterior segment dysgenesis (ASD) based on the ACMG/AMP criteria met, as specified by the ClinGen Glaucoma VCEP (v1.0, 06.11.2025): PM1, PP3_Moderate, PS3_Supporting

OLLIN Analises Genomicas, OLLIN
Classification: Uncertain significance for Glaucoma 3A. Last evaluated: 2026-08-06. Review status: criteria provided, single submitter. Criteria: ACMG Guidelines 2015 PMID 25741868. Collection method: clinical testing. Allele origin: germline. Not counted in ClinVar's aggregate classification.
Comment: This missense variant, located in exon 2 (of 3), has been reported in ClinVar (accession VCV000030224.14) and in gnomAD with an allele frequency of 0.029%. However, to our knowledge, it has not been reported in the scientific literature. Functional studies suggest that this variant may affect protein function, and in silico analysis predicts a deleterious effect. According to the currently available evidence, this variant has been classified as uncertain significance (PS3_P, PP3_M).

Women's Health and Genetics/Laboratory Corporation of America, LabCorp
Classification: Uncertain significance. Last evaluated: 2025-07-14. Review status: criteria provided, single submitter. Criteria: LabCorp Variant Classification Summary - May 2015. Collection method: clinical testing. Allele origin: germline. Not counted in ClinVar's aggregate classification.
Comment: Variant summary: CYP1B1 c.155C>T (p.Pro52Leu) results in a non-conservative amino acid change in the encoded protein sequence. Algorithms developed to predict the effect of missense changes on protein structure and function all suggest that this variant is likely to be disruptive. The variant allele was found at a frequency of 0.00032 in 210080 control chromosomes. This frequency is not significantly higher than estimated for a pathogenic variant in CYP1B1 causing Primary Congenital Glaucoma (0.00032 vs 0.0043), allowing no conclusion about variant significance. c.155C>T has been observed in individual(s) affected with Primary Congenital Glaucoma (Campos-Mollo_2009, Pasutto_2010, Giuffre_2011, Svidnicki_2018). However, the variant has also been reported in unaffected individuals, including a homozygous individual with epileptic encephalopathy but no evidence of anterior chamber ocular abnormality or glaucoma (Palmer_2016, Lopez-Garrido_2006). These data indicate that the variant may be associated with disease. Multiple publications also report experimental evidence evaluating an impact on protein function, finding that the variant protein displays drastically reduced enzymatic activity (ranging from ~0% to 40% of wild-type activity) as well as reduced protein stability (Jeannot_2007, Campos-Mollo_2009, Pasutto_2010, Lopez-Garrido_2010). The following publications have been ascertained in the context of this evaluation (PMID: 19234632, 21815720, 17363580, 19793111, 16862072, 27270415, 19643970, 30484747). ClinVar contains an entry for this variant (Variation ID: 30224). Based on the evidence outlined above, the variant was classified as VUS-possibly pathogenic.

GeneDx
Classification: Uncertain significance. Last evaluated: 2025-06-23. Review status: criteria provided, single submitter. Criteria: GeneDx Variant Classification Process June 2021. Collection method: clinical testing. Allele origin: germline. Affected: yes. Not counted in ClinVar's aggregate classification.
Comment: Reported in two individuals of Italian ancestry with congenital glaucoma who were compound heterozygous for the P52L variant and another missense variant (PMID: 21815720); In silico analysis supports that this missense variant has a deleterious effect on protein structure/function; This variant is associated with the following publications: (PMID: 16862072, 30484747, 19643970, 27243976, 31980526, 36518267, 27270415, 40349919, 17363580, 19234632, 21815720)

Illumina Laboratory Services, Illumina
Classification: Uncertain significance for Glaucoma 3A. Last evaluated: 2017-04-27. Review status: criteria provided, single submitter. Criteria: ICSL Variant Classification Criteria 13 December 2019. Collection method: clinical testing. Allele origin: germline. Not counted in ClinVar's aggregate classification.
Comment: This variant was observed as part of a predisposition screen in an ostensibly healthy population. A literature search was performed for the gene, cDNA change, and amino acid change (where applicable). Publications were found based on this search. However, the evidence from the literature, in combination with allele frequency data from public databases where available, was not sufficient to rule this variant in or out of causing disease. Therefore, this variant is classified as a variant of unknown significance.

Illumina Laboratory Services, Illumina
Classification: Uncertain significance for Irido-corneo-trabecular dysgenesis. Last evaluated: 2017-04-27. Review status: criteria provided, single submitter. Criteria: ICSL Variant Classification Criteria 13 December 2019. Collection method: clinical testing. Allele origin: germline. Not counted in ClinVar's aggregate classification.

Eurofins Ntd Llc (ga)
Classification: Uncertain significance. Last evaluated: 2016-03-09. Review status: criteria provided, single submitter. Criteria: EGL Classification Definitions 2015. Collection method: clinical testing. Allele origin: germline. Observed: 1 variant allele, 1 heterozygote. Not counted in ClinVar's aggregate classification.

OMIM
Classification: Pathogenic for GLAUCOMA, PRIMARY OPEN ANGLE, JUVENILE-ONSET. Last evaluated: 2010-01-01. Review status: no assertion criteria provided. Collection method: literature only. Allele origin: germline. Not counted in ClinVar's aggregate classification.

Literature cited by the submitters: PubMed 27243976 (cited by ClinGen Glaucoma Variant Curation Expert Panel); PubMed 19793111 (cited by 3 submitters); PubMed 19643970 (cited by 4 submitters); PubMed 17363580 (cited by 3 submitters); PubMed 19234632 (cited by 3 submitters); PubMed 21815720 (cited by Women's Health and Genetics/Laboratory Corporation of America, LabCorp and Illumina Laboratory Services, Illumina); PubMed 16862072 (cited by Women's Health and Genetics/Laboratory Corporation of America, LabCorp); PubMed 27270415 (cited by Women's Health and Genetics/Laboratory Corporation of America, LabCorp); PubMed 30484747 (cited by Women's Health and Genetics/Laboratory Corporation of America, LabCorp).

NM_000104.4(CYP1B1):c.155C>T (p.Pro52Leu)

Gene: CYP1B1 (cytochrome P450 family 1 subfamily B member 1; minus strand). Cytogenetic location: 2p22.2.
Variant type: single nucleotide variant.
Coding change: c.155C>T on transcript NM_000104.4 (MANE Select); coding-DNA position 155, C replaced by T.
Protein change: p.Pro52Leu; replaces proline 52 with leucine.
Molecular consequence: missense variant.
Genome position (GRCh38, 1-based): chr2:38,075,234, G>A on the plus strand (C>T on the coding strand, the complement: CYP1B1 is on the minus strand). VCF-style: chr2-38075234-G-A. GRCh37 (hg19) VCF-style: chr2-38302377-G-A.
Other names: short protein forms P52L.
Identifiers: ClinVar variation 30224 (VCV000030224.15), dbSNP rs201824781, ClinGen allele CA129038.